The following is an entry in ClinVar:

NM_032119.4(ADGRV1):c.3053A>G (p.Glu1018Gly)

Gene: ADGRV1 (adhesion G protein-coupled receptor V1; plus strand). Cytogenetic location: 5q14.3.
Variant type: single nucleotide variant.
Coding change: c.3053A>G on transcript NM_032119.4 (MANE Select); coding-DNA position 3053, A replaced by G.
Protein change: p.Glu1018Gly; replaces glutamic acid 1018 with glycine.
Molecular consequence: missense variant. On other transcripts: non-coding transcript variant (1).
Genome position (GRCh38, 1-based): chr5:90,647,528, A>G. VCF-style: chr5-90647528-A-G. GRCh37 (hg19) VCF-style: chr5-89943345-A-G.
Other names: short protein forms E1018G.
Identifiers: ClinVar variation 1383073 (VCV001383073.5), dbSNP rs1430830746, ClinGen allele CA360393017.

ClinVar aggregate classification (germline): Uncertain significance (1 of 4 stars; one submission).

gnomAD v4.1: 2 of 1,613,514 alleles (0.00012%); highest among the groups gnomAD compares: Middle Eastern, 0.017%; no homozygotes.

Submission:

Labcorp Genetics (formerly Invitae), Labcorp
Classification: Uncertain significance. Last evaluated: 2021-08-31. Review status: criteria provided, single submitter. Criteria: Invitae Variant Classification Sherloc (09022015). Collection method: clinical testing. Allele origin: germline.
Comment: This sequence change replaces glutamic acid with glycine at codon 1018 of the ADGRV1 protein (p.Glu1018Gly). The glutamic acid residue is moderately conserved and there is a moderate physicochemical difference between glutamic acid and glycine. This variant is not present in population databases (ExAC no frequency). This variant has not been reported in the literature in individuals affected with ADGRV1-related conditions. Algorithms developed to predict the effect of missense changes on protein structure and function output the following: SIFT: "Tolerated"; PolyPhen-2: "Benign"; Align-GVGD: "Class C0". The glycine amino acid residue is found in multiple mammalian species, which suggests that this missense change does not adversely affect protein function. In summary, the available evidence is currently insufficient to determine the role of this variant in disease. Therefore, it has been classified as a Variant of Uncertain Significance.